The following is an entry in ClinVar:

ClinVar aggregate classification (germline): Uncertain significance (1 of 4 stars; one submission).

Submission:

Labcorp Genetics (formerly Invitae), Labcorp
Classification: Uncertain significance. Last evaluated: 2026-01-12. Review status: criteria provided, single submitter. Criteria: Invitae Variant Classification Sherloc (09022015). Collection method: clinical testing. Allele origin: germline.
Comment: This sequence change replaces serine, which is neutral and polar, with cysteine, which is neutral and slightly polar, at codon 754 of the PLK4 protein (p.Ser754Cys). This variant is not present in population databases (gnomAD no frequency). This variant has not been reported in the literature in individuals affected with PLK4-related conditions. An algorithm developed to predict the effect of missense changes on protein structure and function outputs the following: PolyPhen-2: "Benign". The cysteine amino acid residue is found in multiple mammalian species, which suggests that this missense change does not adversely affect protein function. In summary, the available evidence is currently insufficient to determine the role of this variant in disease. Therefore, it has been classified as a Variant of Uncertain Significance.

NM_014264.5(PLK4):c.2260A>T (p.Ser754Cys)

Gene: PLK4 (polo like kinase 4; plus strand). Cytogenetic location: 4q28.1.
Variant type: single nucleotide variant.
Coding change: c.2260A>T on transcript NM_014264.5 (MANE Select); coding-DNA position 2260, A replaced by T.
Protein change: p.Ser754Cys; replaces serine 754 with cysteine.
Molecular consequence: missense variant.
Genome position (GRCh38, 1-based): chr4:127,893,356, A>T. VCF-style: chr4-127893356-A-T. GRCh37 (hg19) VCF-style: chr4-128814511-A-T.
Other names: c.2164A>T, p.Ser722Cys (NM_001190799.2); c.2137A>T, p.Ser713Cys (NM_001190801.2); c.2263A>T, p.Ser755Cys (NM_001441357.1); c.2161A>T, p.Ser721Cys (NM_001441358.1); c.2158A>T, p.Ser720Cys (NM_001441359.1); c.2119A>T, p.Ser707Cys (NM_001441360.1); c.2062A>T, p.Ser688Cys (NM_001441361.1); c.2041A>T, p.Ser681Cys (NM_001441362.1); and 5 more; short protein forms S713C, S721C, S722C, S755C, S664C, S679C, S688C, S547C.
Identifiers: ClinVar variation 4717891 (VCV004717891.1).